The following is an entry in ClinVar:

NM_015335.5(MED13L):c.3787C>T (p.Arg1263Trp)

Gene: MED13L (mediator complex subunit 13L; minus strand). Cytogenetic location: 12q24.21.
Variant type: single nucleotide variant.
Coding change: c.3787C>T on transcript NM_015335.5 (MANE Select); coding-DNA position 3787, C replaced by T.
Protein change: p.Arg1263Trp; replaces arginine 1263 with tryptophan.
Molecular consequence: missense variant.
Genome position (GRCh38, 1-based): chr12:115,991,167, G>A on the plus strand (C>T on the coding strand, the complement: MED13L is on the minus strand). VCF-style: chr12-115991167-G-A. GRCh37 (hg19) VCF-style: chr12-116428972-G-A.
Other names: short protein forms R1263W.
Identifiers: ClinVar variation 2898739 (VCV002898739.3), dbSNP rs761966368, ClinGen allele CA6810936.

ClinVar aggregate classification (germline): Uncertain significance (1 of 4 stars; one submission).

Conditions:
Dextro-looped transposition of the great arteries. Also called: Dextrotransposition of the great arteries. Identifiers: Orphanet 860, MedGen C3531771, MONDO:0019443, OMIM 608808, HP:0031348.

Allele frequency attached by ClinVar (database versions not stated): gnomAD exomes below 0.00001; TOPMed below 0.00001; ExAC 0.00002.
gnomAD v4.1: 7 of 1,614,114 alleles (0.00043%); highest among the groups gnomAD compares: Middle Eastern, 0.016%; no homozygotes.

Submission:

Labcorp Genetics (formerly Invitae), Labcorp
Classification: Uncertain significance for Dextro-looped transposition of the great arteries. Last evaluated: 2023-10-06. Review status: criteria provided, single submitter. Criteria: Invitae Variant Classification Sherloc (09022015). Collection method: clinical testing. Allele origin: germline.
Comment: This sequence change replaces arginine, which is basic and polar, with tryptophan, which is neutral and slightly polar, at codon 1263 of the MED13L protein (p.Arg1263Trp). This variant is present in population databases (rs761966368, gnomAD 0.006%). This variant has not been reported in the literature in individuals affected with MED13L-related conditions. Advanced modeling of protein sequence and biophysical properties (such as structural, functional, and spatial information, amino acid conservation, physicochemical variation, residue mobility, and thermodynamic stability) performed at Invitae indicates that this missense variant is not expected to disrupt MED13L protein function. In summary, the available evidence is currently insufficient to determine the role of this variant in disease. Therefore, it has been classified as a Variant of Uncertain Significance.